The following is an entry in ClinVar:

ClinVar aggregate classification (germline): Uncertain significance. Review status: criteria provided, multiple submitters, no conflicts (2 of 4 stars). 3 submissions from 3 submitters: Uncertain significance (3). Last evaluated 2026-04-15.

Conditions:
Progressive myoclonic epilepsy type 7. Identifiers: Orphanet 435438, MedGen C4015420, MONDO:0014521, OMIM 616187.
Inborn genetic diseases. Identifiers: MedGen C0950123, MeSH D030342.

Allele frequency attached by ClinVar (database versions not stated): TOPMed 0.00002; gnomAD 0.00001; ESP Exome Variant Server 0.00008.
gnomAD v4.1: 1 of 1,613,836 alleles (0.000062%); highest among the groups gnomAD compares: Non-Finnish European, 0.000085%; no homozygotes.

Submissions (3):

Ambry Genetics
Classification: Uncertain significance for Inborn genetic diseases. Last evaluated: 2026-04-15. Review status: criteria provided, single submitter. Criteria: Ambry Variant Classification Scheme 2023. Collection method: clinical testing. Allele origin: germline.
Comment: The c.916G>T (p.V306L) alteration is located in exon 2 (coding exon 2) of the KCNC1 gene. This alteration results from a G to T substitution at nucleotide position 916, causing the valine (V) at amino acid position 306 to be replaced by a leucine (L). Based on data from gnomAD, the T allele has an overall frequency of 0.001% (2/251030) total alleles studied. The highest observed frequency was 0.002% (2/113614) of European (non-Finnish) alleles. Based on insufficient or conflicting evidence, the clinical significance of this alteration remains unclear.

Labcorp Genetics (formerly Invitae), Labcorp
Classification: Uncertain significance for Progressive myoclonic epilepsy type 7. Last evaluated: 2022-03-24. Review status: criteria provided, single submitter. Criteria: Invitae Variant Classification Sherloc (09022015). Collection method: clinical testing. Allele origin: germline.
Comment: In summary, the available evidence is currently insufficient to determine the role of this variant in disease. Therefore, it has been classified as a Variant of Uncertain Significance. Advanced modeling of protein sequence and biophysical properties (such as structural, functional, and spatial information, amino acid conservation, physicochemical variation, residue mobility, and thermodynamic stability) performed at Invitae indicates that this missense variant is expected to disrupt KCNC1 protein function. ClinVar contains an entry for this variant (Variation ID: 430428). This variant has not been reported in the literature in individuals affected with KCNC1-related conditions. The frequency data for this variant in the population databases is considered unreliable, as metrics indicate poor data quality at this position in the gnomAD database. This sequence change replaces valine, which is neutral and non-polar, with leucine, which is neutral and non-polar, at codon 306 of the KCNC1 protein (p.Val306Leu).

GeneDx
Classification: Uncertain significance. Last evaluated: 2017-05-25. Review status: criteria provided, single submitter. Criteria: GeneDx Variant Classification (06012015). Collection method: clinical testing. Allele origin: germline. Affected: yes.
Comment: The V306L variant in the KCNC1 gene has not been reported previously as a pathogenic variant, nor as a benign variant, to our knowledge. The V306L variant is observed in 1/66,628 (0.15%) alleles from individuals of European (Non-Finnish) background in the ExAC dataset (Lek et al., 2016). This substitution occurs at a position that is conserved across species. However, the V306L variant is a conservative amino acid substitution, which is not likely to impact secondary protein structure as these residues share similar properties. In silico analysis is inconsistent in its predictions as to whether or not the variant is damaging to the protein structure/function. We interpret V306L as a variant of uncertain significance.

NM_001112741.2(KCNC1):c.916G>T (p.Val306Leu)

Gene: KCNC1 (potassium voltage-gated channel subfamily C member 1; plus strand). Cytogenetic location: 11p15.1.
Variant type: single nucleotide variant.
Coding change: c.916G>T on transcript NM_001112741.2 (MANE Select); coding-DNA position 916, G replaced by T.
Protein change: p.Val306Leu; replaces valine 306 with leucine.
Molecular consequence: missense variant.
Genome position (GRCh38, 1-based): chr11:17,772,010, G>T. VCF-style: chr11-17772010-G-T. GRCh37 (hg19) VCF-style: chr11-17793557-G-T.
Other names: c.916G>T, p.Val306Leu (NM_004976.4); short protein forms V306L.
Identifiers: ClinVar variation 430428 (VCV000430428.8), dbSNP rs369830206, ClinGen allele CA5906750.